The following is an entry in ClinVar:

ClinVar aggregate classification (germline): Uncertain significance. Review status: criteria provided, multiple submitters, no conflicts (2 of 4 stars). 2 submissions from 2 submitters: Uncertain significance (2). Last evaluated 2024-09-23.

Allele frequency attached by ClinVar (database versions not stated): 1000 Genomes Project 30x 0.00016; 1000 Genomes Project 0.00020; gnomAD 0.00053 and 0.00056; ExAC 0.00057; gnomAD exomes 0.00061 and 0.00097; TOPMed 0.00062; ESP Exome Variant Server 0.00069.
gnomAD v4.1: 1,516 of 1,614,144 alleles (0.094%); highest among the groups gnomAD compares: Middle Eastern, 0.26%; 1 homozygote.

Submissions (11):

Athena Diagnostics
Classification: Uncertain significance. Last evaluated: 2024-09-23. Review status: criteria provided, single submitter. Criteria: Athena Diagnostics Criteria. Collection method: clinical testing. Allele origin: unknown.
Comment: Available data are insufficient to determine the clinical significance of the variant at this time. The frequency of this variant in the general population is higher than would generally be expected for pathogenic variants in this gene. Polyphen and MutationTaster predict this amino acid change may be benign. Computational tools yielded predictions that this variant may interfere with normal RNA splicing.

CeGaT Center for Human Genetics Tuebingen
Classification: Uncertain significance. Last evaluated: 2020-07-01. Review status: criteria provided, single submitter. Criteria: CeGaT Center For Human Genetics Tuebingen Variant Classification Criteria Version 2. Collection method: clinical testing. Allele origin: germline. Affected: yes. Observed: 1 variant allele.

Dr. Peter K. Rogan Lab, Western University
No classification provided (evidence only). Condition: Clear cell carcinoma of kidney. Review status: no classification provided. Collection method: in vitro. Allele origin: not applicable. Functional consequence: retained intron. Not counted in ClinVar's aggregate classification.

Dr. Peter K. Rogan Lab, Western University
No classification provided (evidence only). Condition: Melanoma. Review status: no classification provided. Collection method: in vitro. Allele origin: not applicable. Functional consequence: retained intron. Not counted in ClinVar's aggregate classification.

Dr. Peter K. Rogan Lab, Western University
No classification provided (evidence only). Condition: Familial cancer of breast. Review status: no classification provided. Collection method: in vitro. Allele origin: not applicable. Functional consequence: retained intron. Not counted in ClinVar's aggregate classification.

Dr. Peter K. Rogan Lab, Western University
No classification provided (evidence only). Condition: Acute myeloid leukemia. Review status: no classification provided. Collection method: in vitro. Allele origin: not applicable. Functional consequence: retained intron. Not counted in ClinVar's aggregate classification.

Dr. Peter K. Rogan Lab, Western University
No classification provided (evidence only). Condition: Uterine corpus endometrial carcinoma. Review status: no classification provided. Collection method: in vitro. Allele origin: not applicable. Functional consequence: retained intron. Not counted in ClinVar's aggregate classification.

Dr. Peter K. Rogan Lab, Western University
No classification provided (evidence only). Condition: Cervical cancer. Review status: no classification provided. Collection method: in vitro. Allele origin: not applicable. Functional consequence: retained intron. Not counted in ClinVar's aggregate classification.

Dr. Peter K. Rogan Lab, Western University
No classification provided (evidence only). Condition: Hepatocellular carcinoma. Review status: no classification provided. Collection method: in vitro. Allele origin: not applicable. Functional consequence: retained intron. Not counted in ClinVar's aggregate classification.

Dr. Peter K. Rogan Lab, Western University
No classification provided (evidence only). Condition: Gastric cancer. Review status: no classification provided. Collection method: in vitro. Allele origin: not applicable. Functional consequence: retained intron. Not counted in ClinVar's aggregate classification.

Dr. Peter K. Rogan Lab, Western University
No classification provided (evidence only). Condition: Malignant tumor of esophagus. Review status: no classification provided. Collection method: in vitro. Allele origin: not applicable. Functional consequence: retained intron. Not counted in ClinVar's aggregate classification.

Literature cited by the submitters: PubMed 26257771 (cited by Athena Diagnostics).

NM_004287.5(GOSR2):c.*1795G>C

Genes: GOSR2 (golgi SNAP receptor complex member 2; plus strand), LRRC37A2 (leucine rich repeat containing 37 member A2). Cytogenetic location: 17q21.32.
Variant type: single nucleotide variant.
Coding change: c.*1795G>C on transcript NM_004287.5 (MANE Select); 1795 bases downstream of the stop codon, G replaced by C.
Molecular consequence: 3 prime UTR variant. On other transcripts: missense variant (2), intron variant (1).
Genome position (GRCh38, 1-based): chr17:46,940,555, G>C. VCF-style: chr17-46940555-G-C. GRCh37 (hg19) VCF-style: chr17-45017921-G-C.
Other names: NC_000017.10:g.45017921G>C; c.*1795G>C (NM_001321134.2, NM_001330252.2, NM_001353114.2 and 2 more transcripts); c.440G>C, p.Gly147Ala (NM_001353116.2); c.584G>C, p.Gly195Ala (NM_054022.4); c.583+1851G>C (NM_001321133.2); short protein forms G195A, G147A.
Identifiers: ClinVar variation 585946 (VCV000585946.42), dbSNP rs147434599, ClinGen allele CA8621396.